The following is an entry in ClinVar:

NM_000526.5(KRT14):c.160T>C (p.Ser54Pro)

Gene: KRT14 (keratin 14; minus strand). Cytogenetic location: 17q21.2.
Variant type: single nucleotide variant.
Coding change: c.160T>C on transcript NM_000526.5 (MANE Select); coding-DNA position 160, T replaced by C.
Protein change: p.Ser54Pro; replaces serine 54 with proline.
Molecular consequence: missense variant.
Genome position (GRCh38, 1-based): chr17:41,586,675, A>G on the plus strand (T>C on the coding strand, the complement: KRT14 is on the minus strand). VCF-style: chr17-41586675-A-G. GRCh37 (hg19) VCF-style: chr17-39742927-A-G.
Other names: short protein forms S54P.
Identifiers: ClinVar variation 3704202 (VCV003704202.2).

ClinVar aggregate classification (germline): Uncertain significance (1 of 4 stars; one submission).

gnomAD v4.1: 11 of 1,599,964 alleles (0.00069%); highest among the groups gnomAD compares: Admixed American, 0.019%; no homozygotes.

Submission:

Labcorp Genetics (formerly Invitae), Labcorp
Classification: Uncertain significance. Last evaluated: 2025-05-29. Review status: criteria provided, single submitter. Criteria: Invitae Variant Classification Sherloc (09022015). Collection method: clinical testing. Allele origin: germline.
Comment: This sequence change replaces serine, which is neutral and polar, with proline, which is neutral and non-polar, at codon 54 of the KRT14 protein (p.Ser54Pro). This variant is present in population databases (rs756225120, gnomAD 0.03%). This variant has not been reported in the literature in individuals affected with KRT14-related conditions. ClinVar contains an entry for this variant (Variation ID: 3704202). Invitae Evidence Modeling of protein sequence and biophysical properties (such as structural, functional, and spatial information, amino acid conservation, physicochemical variation, residue mobility, and thermodynamic stability) indicates that this missense variant is not expected to disrupt KRT14 protein function with a negative predictive value of 95%. In summary, the available evidence is currently insufficient to determine the role of this variant in disease. Therefore, it has been classified as a Variant of Uncertain Significance.